The following is an entry in ClinVar:

ClinVar aggregate classification (germline): Likely benign (0 of 4 stars; one submission).

Conditions:
NRP1-related disorder. Also called: NRP1-related condition.

gnomAD v4.1: 15 of 1,613,998 alleles (0.00093%); highest among the groups gnomAD compares: East Asian, 0.022%; no homozygotes.

Submission:

PreventionGenetics, part of Exact Sciences
Classification: Likely benign for NRP1-related condition. Last evaluated: 2024-06-24. Review status: no assertion criteria provided. Collection method: clinical testing. Allele origin: germline.
Comment: This variant is classified as likely benign based on ACMG/AMP sequence variant interpretation guidelines (Richards et al. 2015 PMID: 25741868, with internal and published modifications).

NM_003873.7(NRP1):c.753C>T (p.Ser251=)

Gene: NRP1 (neuropilin 1; minus strand). Cytogenetic location: 10p11.22.
Variant type: single nucleotide variant.
Coding change: c.753C>T on transcript NM_003873.7 (MANE Select); coding-DNA position 753, C replaced by T.
Protein change: p.Ser251=; no amino-acid change (serine 251 retained).
Molecular consequence: synonymous variant. On other transcripts: non-coding transcript variant (1).
Genome position (GRCh38, 1-based): chr10:33,256,377, G>A on the plus strand (C>T on the coding strand, the complement: NRP1 is on the minus strand). VCF-style: chr10-33256377-G-A. GRCh37 (hg19) VCF-style: chr10-33545305-G-A.
Other names: c.753C>T, p.Ser251= (NM_001024628.3, NM_001024629.3, NM_001244972.2 and 2 more transcripts).
Identifiers: ClinVar variation 3351759 (VCV003351759.1).